The following is an entry in ClinVar:

NM_003327.4(TNFRSF4):c.76G>A (p.Val26Met)

Gene: TNFRSF4 (TNF receptor superfamily member 4; minus strand). Cytogenetic location: 1p36.33.
Variant type: single nucleotide variant.
Coding change: c.76G>A on transcript NM_003327.4 (MANE Select); coding-DNA position 76, G replaced by A.
Protein change: p.Val26Met; replaces valine 26 with methionine.
Molecular consequence: missense variant.
Genome position (GRCh38, 1-based): chr1:1,214,052, C>T on the plus strand (G>A on the coding strand, the complement: TNFRSF4 is on the minus strand). VCF-style: chr1-1214052-C-T. GRCh37 (hg19) VCF-style: chr1-1149432-C-T.
Other names: short protein forms V26M.
Identifiers: ClinVar variation 859436 (VCV000859436.1), dbSNP rs1273445446, ClinGen allele CA337802938.

ClinVar aggregate classification (germline): Uncertain significance (1 of 4 stars; one submission).

Conditions:
Combined immunodeficiency due to OX40 deficiency. Also called: OX40 DEFICIENCY; Immunodeficiency 16. Identifiers: Orphanet 431149, MedGen C3810053, MONDO:0014268, OMIM 615593.

Allele frequency attached by ClinVar (database versions not stated): gnomAD exomes below 0.00001; gnomAD 0.00001; TOPMed 0.00001.

Submission:

Labcorp Genetics (formerly Invitae), Labcorp
Classification: Uncertain significance for Immunodeficiency 16. Last evaluated: 2019-01-28. Review status: criteria provided, single submitter. Criteria: Invitae Variant Classification Sherloc (09022015). Collection method: clinical testing. Allele origin: germline.
Comment: This sequence change replaces valine with methionine at codon 26 of the TNFRSF4 protein (p.Val26Met). The valine residue is weakly conserved and there is a small physicochemical difference between valine and methionine. This variant is not present in population databases (ExAC no frequency). This variant has not been reported in the literature in individuals with TNFRSF4-related conditions. Algorithms developed to predict the effect of missense changes on protein structure and function (SIFT, PolyPhen-2, Align-GVGD) all suggest that this variant is likely to be tolerated, but these predictions have not been confirmed by published functional studies and their clinical significance is uncertain. In summary, the available evidence is currently insufficient to determine the role of this variant in disease. Therefore, it has been classified as a Variant of Uncertain Significance.